The following is an entry in ClinVar:

ClinVar aggregate classification (germline): Uncertain significance. Review status: criteria provided, multiple submitters, no conflicts (2 of 4 stars). 2 submissions from 2 submitters: Uncertain significance (2). Last evaluated 2024-04-01.

Conditions:
Hereditary cancer-predisposing syndrome. Also called: Hereditary Cancer Syndrome; Hereditary neoplastic syndrome; Neoplastic Syndromes, Hereditary; Tumor predisposition. Identifiers: Orphanet 140162, MedGen C0027672, MeSH D009386, MONDO:0015356.
Oligodontia-cancer predisposition syndrome. Also called: TOOTH AGENESIS-COLORECTAL CANCER SYNDROME. Identifiers: Orphanet 300576, MedGen C1837750, MONDO:0012075, OMIM 608615. Disease mechanism: loss of function.

Submissions (2):

Labcorp Genetics (formerly Invitae), Labcorp
Classification: Uncertain significance for Oligodontia-cancer predisposition syndrome. Last evaluated: 2024-04-01. Review status: criteria provided, single submitter. Criteria: Invitae Variant Classification Sherloc (09022015). Collection method: clinical testing. Allele origin: germline.
Comment: This sequence change replaces valine, which is neutral and non-polar, with glutamic acid, which is acidic and polar, at codon 347 of the AXIN2 protein (p.Val347Glu). This variant is not present in population databases (gnomAD no frequency). This variant has not been reported in the literature in individuals affected with AXIN2-related conditions. ClinVar contains an entry for this variant (Variation ID: 1774032). Advanced modeling of protein sequence and biophysical properties (such as structural, functional, and spatial information, amino acid conservation, physicochemical variation, residue mobility, and thermodynamic stability) performed at Invitae indicates that this missense variant is expected to disrupt AXIN2 protein function with a positive predictive value of 80%. In summary, the available evidence is currently insufficient to determine the role of this variant in disease. Therefore, it has been classified as a Variant of Uncertain Significance.

Ambry Genetics
Classification: Uncertain significance for Hereditary cancer-predisposing syndrome. Last evaluated: 2022-02-10. Review status: criteria provided, single submitter. Criteria: Ambry Variant Classification Scheme 2023. Collection method: clinical testing. Allele origin: germline.
Comment: The p.V347E variant (also known as c.1040T>A), located in coding exon 3 of the AXIN2 gene, results from a T to A substitution at nucleotide position 1040. The valine at codon 347 is replaced by glutamic acid, an amino acid with dissimilar properties. This amino acid position is conserved. In addition, this alteration is predicted to be deleterious by in silico analysis. Since supporting evidence is limited at this time, the clinical significance of this alteration remains unclear.

NM_004655.4(AXIN2):c.1040T>A (p.Val347Glu)

Gene: AXIN2 (axin 2; minus strand). Cytogenetic location: 17q24.1.
Variant type: single nucleotide variant.
Coding change: c.1040T>A on transcript NM_004655.4 (MANE Select); coding-DNA position 1040, T replaced by A.
Protein change: p.Val347Glu; replaces valine 347 with glutamic acid.
Molecular consequence: missense variant.
Genome position (GRCh38, 1-based): chr17:65,541,474, A>T on the plus strand (T>A on the coding strand, the complement: AXIN2 is on the minus strand). VCF-style: chr17-65541474-A-T. GRCh37 (hg19) VCF-style: chr17-63537592-A-T.
Other names: c.1040T>A, p.Val347Glu (NM_001363813.1); short protein forms V347E.
Identifiers: ClinVar variation 1774032 (VCV001774032.5), dbSNP rs1598104191, ClinGen allele CA400679138.